The following is an entry in ClinVar:

NM_001278064.2(GRM1):c.2017T>C (p.Ser673Pro)

Gene: GRM1 (glutamate metabotropic receptor 1; plus strand). Cytogenetic location: 6q24.3.
Variant type: single nucleotide variant.
Coding change: c.2017T>C on transcript NM_001278064.2 (MANE Select); coding-DNA position 2017, T replaced by C.
Protein change: p.Ser673Pro; replaces serine 673 with proline.
Molecular consequence: missense variant.
Genome position (GRCh38, 1-based): chr6:146,399,056, T>C. VCF-style: chr6-146399056-T-C. GRCh37 (hg19) VCF-style: chr6-146720192-T-C.
Other names: c.2017T>C, p.Ser673Pro (NM_001278065.2, NM_001278066.1, NM_001278067.1); short protein forms S673P.
Identifiers: ClinVar variation 3365352 (VCV003365352.1).

ClinVar aggregate classification (germline): Uncertain significance (1 of 4 stars; one submission).

Submission:

GeneDx
Classification: Uncertain significance. Last evaluated: 2023-12-12. Review status: criteria provided, single submitter. Criteria: GeneDx Variant Classification Process June 2021. Collection method: clinical testing. Allele origin: germline. Affected: yes.
Comment: Not observed at significant frequency in large population cohorts (gnomAD); In silico analysis supports that this missense variant has a deleterious effect on protein structure/function; Has not been previously published as pathogenic or benign to our knowledge